The following is an entry in ClinVar:

NM_004230.4(S1PR2):c.889C>T (p.Arg297Trp)

Gene: S1PR2 (sphingosine-1-phosphate receptor 2; minus strand). Cytogenetic location: 19p13.2.
Variant type: single nucleotide variant.
Coding change: c.889C>T on transcript NM_004230.4 (MANE Select); coding-DNA position 889, C replaced by T.
Protein change: p.Arg297Trp; replaces arginine 297 with tryptophan.
Molecular consequence: missense variant.
Genome position (GRCh38, 1-based): chr19:10,224,017, G>A on the plus strand (C>T on the coding strand, the complement: S1PR2 is on the minus strand). VCF-style: chr19-10224017-G-A. GRCh37 (hg19) VCF-style: chr19-10334693-G-A.
Other names: short protein forms R297W.
Identifiers: ClinVar variation 2465758 (VCV002465758.4), dbSNP rs763068319, ClinGen allele CA9188994.

ClinVar aggregate classification (germline): Uncertain significance. Review status: criteria provided, multiple submitters, no conflicts (2 of 4 stars). 2 submissions from 2 submitters: Uncertain significance (2). Last evaluated 2025-08-02.

Conditions:
Inborn genetic diseases. Identifiers: MedGen C0950123, MeSH D030342.

Allele frequency attached by ClinVar (database versions not stated): ExAC 0.00001; gnomAD 0.00001; gnomAD exomes 0.00001; TOPMed 0.00001.

Submissions (2):

GeneDx
Classification: Uncertain significance. Last evaluated: 2025-08-02. Review status: criteria provided, single submitter. Criteria: GeneDx Variant Classification Process June 2021. Collection method: clinical testing. Allele origin: germline.
Comment: In silico analysis supports that this missense variant has a deleterious effect on protein structure/function; Has not been previously published as pathogenic or benign to our knowledge

Ambry Genetics
Classification: Uncertain significance for Inborn genetic diseases. Last evaluated: 2023-03-07. Review status: criteria provided, single submitter. Criteria: Ambry Variant Classification Scheme 2023. Collection method: clinical testing. Allele origin: germline.